The following is an entry in ClinVar:

ClinVar aggregate classification (germline): Conflicting classifications of pathogenicity. Review status: criteria provided, conflicting classifications (1 of 4 stars). 4 submissions from 4 submitters: Uncertain significance (1); Benign (2). 1 of the submissions does not count toward it. Last evaluated 2025-12-14.

Conditions:
COL4A6-related disorder. Also called: COL4A6-related condition.

Allele frequency attached by ClinVar (database versions not stated): gnomAD exomes 0.00041 and 0.00015; ExAC 0.00050; gnomAD 0.00129 and 0.00131; ESP Exome Variant Server 0.00161; TOPMed 0.00176; 1000 Genomes Project 0.00318; 1000 Genomes Project 30x 0.00333.
gnomAD v4.1: 404 of 1,209,619 alleles (0.033%); highest among the groups gnomAD compares: African/African-American, 0.45%; 5 homozygotes.

Submissions (4):

Labcorp Genetics (formerly Invitae), Labcorp
Classification: Benign. Last evaluated: 2025-12-14. Review status: criteria provided, single submitter. Criteria: Invitae Variant Classification Sherloc (09022015). Collection method: clinical testing. Allele origin: germline.

GeneDx
Classification: Benign. Last evaluated: 2019-04-18. Review status: criteria provided, single submitter. Criteria: GeneDx Variant Classification Process June 2021. Collection method: clinical testing. Allele origin: germline. Affected: yes.

Center for Pediatric Genomic Medicine, Children's Mercy Hospital and Clinics
Classification: Uncertain significance. Last evaluated: 2017-04-11. Review status: criteria provided, single submitter. Criteria: ACMG Guidelines, 2015. Collection method: clinical testing. Allele origin: germline.

PreventionGenetics, part of Exact Sciences
Classification: Likely benign for COL4A6-related condition. Last evaluated: 2019-06-07. Review status: no assertion criteria provided. Collection method: clinical testing. Allele origin: germline. Not counted in ClinVar's aggregate classification.
Comment: This variant is classified as likely benign based on ACMG/AMP sequence variant interpretation guidelines (Richards et al. 2015 PMID: 25741868, with internal and published modifications).

NM_033641.4(COL4A6):c.2653G>T (p.Val885Phe)

Gene: COL4A6 (collagen type IV alpha 6 chain; minus strand). Cytogenetic location: Xq22.3.
Variant type: single nucleotide variant.
Coding change: c.2653G>T on transcript NM_033641.4 (MANE Select); coding-DNA position 2653, G replaced by T.
Protein change: p.Val885Phe; replaces valine 885 with phenylalanine.
Molecular consequence: missense variant.
Genome position (GRCh38, 1-based): chrX:108,176,874, C>A on the plus strand (G>T on the coding strand, the complement: COL4A6 is on the minus strand). VCF-style: chrX-108176874-C-A. GRCh37 (hg19) VCF-style: chrX-107420104-C-A.
Other names: c.2704G>T, p.Val902Phe (NM_001287758.2); c.2653G>T, p.Val885Phe (NM_001287759.2, NM_001287760.2); c.2656G>T, p.Val886Phe (NM_001847.4); c.2656G>T (NM_001847.3); short protein forms V886F, V885F, V902F.
Identifiers: ClinVar variation 445729 (VCV000445729.16), dbSNP rs112034997, ClinGen allele CA10487589.